The following is an entry in ClinVar:

NM_000484.4(APP):c.1300-3C>A

Gene: APP (amyloid beta precursor protein; minus strand). Cytogenetic location: 21q21.3.
Variant type: single nucleotide variant.
Coding change: c.1300-3C>A on transcript NM_000484.4 (MANE Select); 3 bases into the intron before coding-DNA position 1300, C replaced by A.
Molecular consequence: intron variant.
Genome position (GRCh38, 1-based): chr21:25,975,231, G>T on the plus strand (C>A on the coding strand, the complement: APP is on the minus strand). VCF-style: chr21-25975231-G-T. GRCh37 (hg19) VCF-style: chr21-27347544-G-T.
Other names: c.970-3C>A (NM_001136131.3); c.907-3C>A (NM_001136129.3); c.1132-3C>A (NM_001136130.3, NM_001385253.1); c.1075-3C>A (NM_001204303.2, NM_201414.3); c.1243-3C>A (NM_001204302.2, NM_201413.3); c.1300-3C>A (NM_001204301.2); c.1228-3C>A (NM_001136016.3).
Identifiers: ClinVar variation 967074 (VCV000967074.10), dbSNP rs1342453998, ClinGen allele CA1139666814.

ClinVar aggregate classification (germline): Uncertain significance (1 of 4 stars; one submission).

Conditions:
Alzheimer disease. Also called: Presenile and senile dementia; Alzheimer's disease. Identifiers: Orphanet 1020, MedGen C0002395, MeSH D000544, MONDO:0004975, HP:0002511.

Submission:

Labcorp Genetics (formerly Invitae), Labcorp
Classification: Uncertain significance for Alzheimer disease. Last evaluated: 2019-10-03. Review status: criteria provided, single submitter. Criteria: Invitae Variant Classification Sherloc (09022015). Collection method: clinical testing. Allele origin: germline.
Comment: This sequence change falls in intron 10 of the APP gene. It does not directly change the encoded amino acid sequence of the APP protein, but it affects a nucleotide within the consensus splice site of the intron. This variant is not present in population databases (ExAC no frequency). This variant has not been reported in the literature in individuals with APP-related conditions. Nucleotide substitutions within the consensus splice site are a relatively common cause of aberrant splicing (PMID: 17576681, 9536098). Algorithms developed to predict the effect of sequence changes on RNA splicing suggest that this variant may disrupt the consensus splice site, but this prediction has not been confirmed by published transcriptional studies. In summary, the available evidence is currently insufficient to determine the role of this variant in disease. Therefore, it has been classified as a Variant of Uncertain Significance.

Literature cited by the submitters: PubMed 17576681; PubMed 9536098.